The following is an entry in ClinVar:

ClinVar aggregate classification (germline): Uncertain significance (1 of 4 stars; one submission).

Submission:

GeneDx
Classification: Uncertain significance. Last evaluated: 2023-03-08. Review status: criteria provided, single submitter. Criteria: GeneDx Variant Classification Process June 2021. Collection method: clinical testing. Allele origin: germline. Affected: yes.
Comment: Not observed at significant frequency in large population cohorts (gnomAD); Nonsense variant predicted to result in protein truncation or nonsense mediated decay in a gene or region of a gene for which loss of function is not a well-established mechanism of disease; Has not been previously published as pathogenic or benign to our knowledge

NM_052876.4(NACC1):c.1147C>T (p.Gln383Ter)

Gene: NACC1 (nucleus accumbens associated 1; plus strand). Cytogenetic location: 19p13.13.
Variant type: single nucleotide variant.
Coding change: c.1147C>T on transcript NM_052876.4 (MANE Select); coding-DNA position 1147, C replaced by T.
Protein change: p.Gln383Ter; replaces glutamine 383 with a stop codon.
Molecular consequence: nonsense.
Genome position (GRCh38, 1-based): chr19:13,137,297, C>T. VCF-style: chr19-13137297-C-T. GRCh37 (hg19) VCF-style: chr19-13248111-C-T.
Other names: short protein forms Q383*.
Identifiers: ClinVar variation 2579569 (VCV002579569.1), dbSNP rs2513137948, ClinGen allele CA404329143.